The following is an entry in ClinVar:

NM_004370.6(COL12A1):c.2129G>A (p.Ser710Asn)

Gene: COL12A1 (collagen type XII alpha 1 chain; minus strand). Cytogenetic location: 6q13.
Variant type: single nucleotide variant.
Coding change: c.2129G>A on transcript NM_004370.6 (MANE Select); coding-DNA position 2129, G replaced by A.
Protein change: p.Ser710Asn; replaces serine 710 with asparagine.
Molecular consequence: missense variant. On other transcripts: intron variant (2).
Genome position (GRCh38, 1-based): chr6:75,180,974, C>T on the plus strand (G>A on the coding strand, the complement: COL12A1 is on the minus strand). VCF-style: chr6-75180974-C-T. GRCh37 (hg19) VCF-style: chr6-75890690-C-T.
Other names: c.2129G>A, p.Ser710Asn (NM_001424113.1, NM_001424114.1, NM_001424115.1); c.73+21746G>A (NM_001424116.1, NM_080645.3); short protein forms S710N.
Identifiers: ClinVar variation 3747926 (VCV003747926.2).
Genomic context (GRCh38, chr6:75,180,974, plus strand): 5'-AACAGTGGCAGAAACCCCATCACACCTTCTTCGGTGGTCTCCTCTCCAGCTAAGGGAATG[C>T]TGAAGCCATCCTCATACTCCGCAGTCACATTGACCAAATACAAGGTCTCTGGCTTCAGGC-3'
Protein context (NP_004361.3, residues 700-720): NVTAEYEDGF[Ser710Asn]IPLAGEETTE

ClinVar aggregate classification (germline): Uncertain significance (1 of 4 stars; one submission).

Conditions:
Ullrich congenital muscular dystrophy 2 (UCMD2). Identifiers: Orphanet 75840, MedGen C4225314, MONDO:0014654, OMIM 616470.
Bethlem myopathy 2 (BTHLM2). Identifiers: Orphanet 536516, Orphanet 610, MedGen C4225313, MONDO:0034022, OMIM 616471.

gnomAD v4.1: 5 of 1,614,002 alleles (0.00031%); highest among the groups gnomAD compares: Admixed American, 0.0033%; no homozygotes.

Submission:

Labcorp Genetics (formerly Invitae), Labcorp
Classification: Uncertain significance for Bethlem myopathy 2; Ullrich congenital muscular dystrophy 2. Last evaluated: 2024-06-05. Review status: criteria provided, single submitter. Criteria: Invitae Variant Classification Sherloc (09022015). Collection method: clinical testing. Allele origin: germline.
Comment: This sequence change replaces serine, which is neutral and polar, with asparagine, which is neutral and polar, at codon 710 of the COL12A1 protein (p.Ser710Asn). This variant is present in population databases (rs556346504, gnomAD 0.003%). This variant has not been reported in the literature in individuals affected with COL12A1-related conditions. Advanced modeling of protein sequence and biophysical properties (such as structural, functional, and spatial information, amino acid conservation, physicochemical variation, residue mobility, and thermodynamic stability) performed at Invitae indicates that this missense variant is not expected to disrupt COL12A1 protein function with a negative predictive value of 80%. In summary, the available evidence is currently insufficient to determine the role of this variant in disease. Therefore, it has been classified as a Variant of Uncertain Significance.